The following is an entry in ClinVar:

ClinVar aggregate classification (germline): Pathogenic. Review status: criteria provided, multiple submitters, no conflicts (2 of 4 stars). 4 submissions from 4 submitters: Pathogenic (3). 1 of the submissions does not count toward it. Last evaluated 2024-12-23.

Conditions:
Familial hyperparathyroidism or Hypocalciuric hypercalcaemia.
Familial hypocalciuric hypercalcemia 1. Also called: Hypercalcemia, familial benign type 1. Identifiers: Orphanet 405, Orphanet 93372, MedGen C0342637, MONDO:0007791, OMIM 145980.
Autosomal dominant hypocalcemia. Identifiers: Orphanet 428, MedGen C4048195, MONDO:0018543.
Autosomal dominant hypocalcemia 1 (HYPOC1). Also called: HYPOCALCEMIA, FAMILIAL. Identifiers: MedGen C3715128, MONDO:0011013, OMIM 601198.
Familial hypocalciuric hypercalcemia (FHH). Also called: Familial benign hypercalcemia. Identifiers: Orphanet 405, MedGen C1809471, MONDO:0018458.

gnomAD v4.1: 2 of 1,613,218 alleles (0.00012%); highest among the groups gnomAD compares: Non-Finnish European, 0.00017%; no homozygotes.

Submissions (4):

Victorian Clinical Genetics Services, Murdoch Childrens Research Institute
Classification: Pathogenic for Familial hypocalciuric hypercalcemia 1. Last evaluated: 2024-12-23. Review status: criteria provided, single submitter. Criteria: ACMG Guidelines, 2015. Collection method: clinical testing. Allele origin: germline. Affected: yes.
Comment: This variant is classified as Pathogenic. Evidence in support of pathogenic classification: Variant is present in gnomAD <0.01 (v4: 2 heterozygote(s), 0 homozygote(s)). An alternative nucleotide change resulting in the same protein change is also present in gnomAD <0.01 (v4: 4 heterozygote(s), 0 homozygote(s)); This variant has strong previous evidence of pathogenicity in unrelated individuals. This variant and an alternative nucleotide change causing the same protein change have been classified as pathogenic by diagnostic laboratories in ClinVar, and reported in the literature in individuals with familial hypocalciuric hypercalcaemia (PMIDs: 8675635, 23764372, 32347971); This variant has strong evidence for segregation with disease. This variant has been shown to segregate in multiple affected individuals in a single multi-generational family with hypocalciuric hypercalcaemia (PMID: 8675635). Additional information: Variant is predicted to result in a missense amino acid change from glycine to arginine; This variant is heterozygous; This gene is associated with both recessive and dominant disease (OMIM); Alternative amino acid change(s) at the same position are present in gnomAD (Highest allele count: v4: 1 heterozygote(s), 0 homozygote(s)); Loss of function and gain of function are known mechanisms of disease in this gene. The former is associated with hypocalciuric hypercalcaemia (MIM#145980) and autosomal recessive neonatal hyperparathyroidism (MIM#239200), while the latter is associated with hypocalcaemia, autosomal dominant (MIM#601198) (ClinGen, PMIDs: 22422767, 26646938). Dominant negative has also been suggested as the mechanism for autosomal dominant neonatal hyperparathyroidism (MIM#239200) and severe cases of hypocalciuric hypercalcaemia (MIM#145980) (ClinGen); Variants in this gene are known to have variable expressivity. Intrafamilial variability has been reported (PMID: 11807402); Inheritance information for this variant is not currently available in this individual.

Labcorp Genetics (formerly Invitae), Labcorp
Classification: Pathogenic for Familial hypocalciuric hypercalcemia; Autosomal dominant hypocalcemia 1. Last evaluated: 2024-06-21. Review status: criteria provided, single submitter. Criteria: Invitae Variant Classification Sherloc (09022015). Collection method: clinical testing. Allele origin: germline.
Comment: This sequence change replaces glycine, which is neutral and non-polar, with arginine, which is basic and polar, at codon 670 of the CASR protein (p.Gly670Arg). This variant is not present in population databases (gnomAD no frequency). This missense change has been observed in individuals with familial hypocalciuric hypercalcemia (PMID: 8675635, 17698911, 26963950; Invitae). It has also been observed to segregate with disease in related individuals. ClinVar contains an entry for this variant (Variation ID: 1516739). An algorithm developed to predict the effect of missense changes on protein structure and function (PolyPhen-2) suggests that this variant is likely to be disruptive. Experimental studies have shown that this missense change affects CASR function (PMID: 22798347). For these reasons, this variant has been classified as Pathogenic.

Women's Health and Genetics/Laboratory Corporation of America, LabCorp
Classification: Pathogenic for Autosomal dominant hypocalcemia. Last evaluated: 2024-05-10. Review status: criteria provided, single submitter. Criteria: LabCorp Variant Classification Summary - May 2015. Collection method: clinical testing. Allele origin: germline.
Comment: Variant summary: CASR c.2008G>A (p.Gly670Arg) results in a non-conservative amino acid change located in the GPCR family 3, C-terminal domain (IPR017978) of the encoded protein sequence. Five of five in-silico tools predict a damaging effect of the variant on protein function. The variant was absent in 251084 control chromosomes. c.2008G>A has been reported in the literature in multiple heterozygous individuals affected with Autosomal Dominant Hypocalcemia with evidence of co-segregation with disease (e.g. Pearce_1995). These data indicate that the variant is very likely to be associated with disease. At least one publication reports experimental evidence evaluating an impact on protein function. The most pronounced variant effect showed increased Ca2+ potency with reduced expression compared to WT in vitro in Ca2+ mobilization assays, consistent with gain-of-function effect (e.g. Leach_2012). The following publications have been ascertained in the context of this evaluation (PMID: 22798347, 9039332). ClinVar contains an entry for this variant (Variation ID: 1516739). Based on the evidence outlined above, the variant was classified as pathogenic.

Exeter Genomics Laboratory, Royal Devon University Healthcare NHS Foundation Trust
Classification: Pathogenic for Familial hyperparathyroidism or Hypocalciuric hypercalcaemia. Last evaluated: 2025-06-13. Review status: no assertion criteria provided. Collection method: clinical testing. Allele origin: germline. Affected: yes. Not counted in ClinVar's aggregate classification.

Literature cited by the submitters: PubMed 8675635 (cited by Victorian Clinical Genetics Services, Murdoch Childrens Research Institute and Labcorp Genetics (formerly Invitae), Labcorp); PubMed 22422767 (cited by Victorian Clinical Genetics Services, Murdoch Childrens Research Institute); PubMed 11807402 (cited by Victorian Clinical Genetics Services, Murdoch Childrens Research Institute); PubMed 32347971 (cited by Victorian Clinical Genetics Services, Murdoch Childrens Research Institute); PubMed 26646938 (cited by Victorian Clinical Genetics Services, Murdoch Childrens Research Institute); PubMed 23764372 (cited by Victorian Clinical Genetics Services, Murdoch Childrens Research Institute); PubMed 17698911 (cited by Labcorp Genetics (formerly Invitae), Labcorp); PubMed 26963950 (cited by Labcorp Genetics (formerly Invitae), Labcorp); PubMed 22798347 (cited by Labcorp Genetics (formerly Invitae), Labcorp and Women's Health and Genetics/Laboratory Corporation of America, LabCorp); PubMed 9039332 (cited by Women's Health and Genetics/Laboratory Corporation of America, LabCorp).

NM_000388.4(CASR):c.2008G>A (p.Gly670Arg)

Gene: CASR (calcium sensing receptor; plus strand). Cytogenetic location: 3q21.1.
Variant type: single nucleotide variant.
Coding change: c.2008G>A on transcript NM_000388.4 (MANE Select); coding-DNA position 2008, G replaced by A.
Protein change: p.Gly670Arg; replaces glycine 670 with arginine.
Molecular consequence: missense variant.
Genome position (GRCh38, 1-based): chr3:122,283,962, G>A. VCF-style: chr3-122283962-G-A. GRCh37 (hg19) VCF-style: chr3-122002809-G-A.
Other names: c.2038G>A, p.Gly680Arg (NM_001178065.2); short protein forms G670R, G680R.
Identifiers: ClinVar variation 1516739 (VCV001516739.10), dbSNP rs2074927550, ClinGen allele CA354158292.